The following is an entry in ClinVar:

ClinVar aggregate classification (germline): Conflicting classifications of pathogenicity. Review status: criteria provided, conflicting classifications (1 of 4 stars). 4 submissions from 3 submitters: Uncertain significance (2); Benign (1); Likely benign (1). Last evaluated 2026-01-21.

Conditions:
Inborn genetic diseases. Identifiers: MedGen C0950123, MeSH D030342.
Craniometaphyseal dysplasia, autosomal dominant (CMDD). Identifiers: Orphanet 1522, MedGen C1852502, MONDO:0007397, OMIM 123000.
Chondrocalcinosis 2. Also called: CALCIUM GOUT; CALCIUM PYROPHOSPHATE ARTHROPATHY; Familial calcium pyrophosphate deposition. Identifiers: Orphanet 1416, MedGen C0856830, MONDO:0007319, OMIM 118600.

Allele frequency attached by ClinVar (database versions not stated): gnomAD exomes 0.00007 and 0.00009; gnomAD 0.00013 and 0.00014; TOPMed 0.00006; ExAC 0.00007.
gnomAD v4.1: 128 of 1,613,860 alleles (0.0079%); highest among the groups gnomAD compares: Admixed American, 0.025%; no homozygotes.

Submissions (4):

Ambry Genetics
Classification: Uncertain significance for Inborn genetic diseases. Last evaluated: 2026-01-21. Review status: criteria provided, single submitter. Criteria: Ambry Variant Classification Scheme 2023. Collection method: clinical testing. Allele origin: germline.
Comment: The c.1115G>A (p.R372Q) alteration is located in exon 9 (coding exon 9) of the ANKH gene. This alteration results from a G to A substitution at nucleotide position 1115, causing the arginine (R) at amino acid position 372 to be replaced by a glutamine (Q). Based on data from gnomAD, the A allele has an overall frequency of 0.009% (26/282778) total alleles studied. The highest observed frequency was 0.028% (2/7224) of Other alleles. Based on insufficient or conflicting evidence, the clinical significance of this alteration remains unclear.

Labcorp Genetics (formerly Invitae), Labcorp
Classification: Uncertain significance. Last evaluated: 2025-11-25. Review status: criteria provided, single submitter. Criteria: Invitae Variant Classification Sherloc (09022015). Collection method: clinical testing. Allele origin: germline.
Comment: This sequence change replaces arginine, which is basic and polar, with glutamine, which is neutral and polar, at codon 372 of the ANKH protein (p.Arg372Gln). This variant is present in population databases (rs544848340, gnomAD 0.02%). This variant has not been reported in the literature in individuals affected with ANKH-related conditions. ClinVar contains an entry for this variant (Variation ID: 351504). Invitae Evidence Modeling of protein sequence and biophysical properties (such as structural, functional, and spatial information, amino acid conservation, physicochemical variation, residue mobility, and thermodynamic stability) indicates that this missense variant is not expected to disrupt ANKH protein function with a negative predictive value of 80%. In summary, the available evidence is currently insufficient to determine the role of this variant in disease. Therefore, it has been classified as a Variant of Uncertain Significance.

Illumina Laboratory Services, Illumina
Classification: Benign for Craniometaphyseal dysplasia, autosomal dominant. Last evaluated: 2018-01-13. Review status: criteria provided, single submitter. Criteria: ICSL Variant Classification Criteria 13 December 2019. Collection method: clinical testing. Allele origin: germline.
Comment: This variant was observed in the ICSL laboratory as part of a predisposition screen in an ostensibly healthy population. It had not been previously curated by ICSL or reported in the Human Gene Mutation Database (HGMD: prior to June 1st, 2018), and was therefore a candidate for classification through an automated scoring system. Utilizing variant allele frequency, disease prevalence and penetrance estimates, and inheritance mode, an automated score was calculated to assess if this variant is too frequent to cause the disease. Based on the score and internal cut-off values, a variant classified as benign is not then subjected to further curation. The score for this variant resulted in a classification of benign for this disease.

Illumina Laboratory Services, Illumina
Classification: Likely benign for Chondrocalcinosis 2. Last evaluated: 2018-01-13. Review status: criteria provided, single submitter. Criteria: ICSL Variant Classification Criteria 13 December 2019. Collection method: clinical testing. Allele origin: germline.
Comment: This variant was observed in the ICSL laboratory as part of a predisposition screen in an ostensibly healthy population. It had not been previously curated by ICSL or reported in the Human Gene Mutation Database (HGMD: prior to June 1st, 2018), and was therefore a candidate for classification through an automated scoring system. Utilizing variant allele frequency, disease prevalence and penetrance estimates, and inheritance mode, an automated score was calculated to assess if this variant is too frequent to cause the disease. Based on the score and internal cut-off values, a variant classified as likely benign is not then subjected to further curation. The score for this variant resulted in a classification of likely benign for this disease.

NM_054027.6(ANKH):c.1115G>A (p.Arg372Gln)

Gene: ANKH (ANKH inorganic pyrophosphate transport regulator; minus strand). Cytogenetic location: 5p15.2.
Variant type: single nucleotide variant.
Coding change: c.1115G>A on transcript NM_054027.6 (MANE Select); coding-DNA position 1115, G replaced by A.
Protein change: p.Arg372Gln; replaces arginine 372 with glutamine.
Molecular consequence: missense variant.
Genome position (GRCh38, 1-based): chr5:14,716,732, C>T on the plus strand (G>A on the coding strand, the complement: ANKH is on the minus strand). VCF-style: chr5-14716732-C-T. GRCh37 (hg19) VCF-style: chr5-14716841-C-T.
Other names: short protein forms R372Q.
Identifiers: ClinVar variation 351504 (VCV000351504.11), dbSNP rs544848340, ClinGen allele CA3208921.
Genomic context (GRCh38, chr5:14,716,732, plus strand): 5'-ACAGGAATGCTTCCTTCATTCTGTTTTTCTTTACCTGGAACTGGGAAGAAGGAGAAGATC[C>T]GCAAAGGAACAACACAGAGTTCTGCAAAGGCAAAGTCCACTCCGATGATGTCTATCAAGA-3'
Protein context (NP_473368.1, residues 362-382): AFAELCVVPL[Arg372Gln]IFSFFPVPVT